The following is an entry in ClinVar:

ClinVar aggregate classification (germline): Conflicting classifications of pathogenicity. Review status: criteria provided, conflicting classifications (1 of 4 stars). 4 submissions from 3 submitters: Uncertain significance (3); Likely benign (1). Last evaluated 2022-03-04.

Conditions:
Autosomal recessive ataxia, Beauce type. Also called: SYNE1 Deficiency; SYNE1-Related Autosomal Recessive Cerebellar Ataxia; Spinocerebellar ataxia, autosomal recessive 8; ATAXIA, RECESSIVE, OF BEAUCE. Identifiers: Orphanet 88644, MedGen C1853116, MONDO:0012549, OMIM 610743.
Emery-Dreifuss muscular dystrophy 4, autosomal dominant (EDMD4). Also called: EMERY-DREIFUSS MUSCULAR DYSTROPHY 4 WITH VARIABLE FEATURES. Identifiers: Orphanet 261, MedGen C2751807, MONDO:0013071, OMIM 612998.

Allele frequency attached by ClinVar (database versions not stated): gnomAD 0.00003; gnomAD exomes 0.00003 and 0.00008; TOPMed 0.00004; ExAC 0.00008; ESP Exome Variant Server 0.00015.
gnomAD v4.1: 54 of 1,613,842 alleles (0.0033%); highest among the groups gnomAD compares: Admixed American, 0.0033%; no homozygotes.

Submissions (4):

Labcorp Genetics (formerly Invitae), Labcorp
Classification: Uncertain significance for Emery-Dreifuss muscular dystrophy 4, autosomal dominant; Autosomal recessive ataxia, Beauce type. Last evaluated: 2022-03-04. Review status: criteria provided, single submitter. Criteria: Invitae Variant Classification Sherloc (09022015). Collection method: clinical testing. Allele origin: germline.
Comment: This sequence change replaces leucine, which is neutral and non-polar, with histidine, which is basic and polar, at codon 4570 of the SYNE1 protein (p.Leu4570His). This variant is present in population databases (rs199673397, gnomAD 0.2%). This variant has not been reported in the literature in individuals affected with SYNE1-related conditions. ClinVar contains an entry for this variant (Variation ID: 355872). Algorithms developed to predict the effect of missense changes on protein structure and function (SIFT, PolyPhen-2, Align-GVGD) all suggest that this variant is likely to be disruptive. In summary, the available evidence is currently insufficient to determine the role of this variant in disease. Therefore, it has been classified as a Variant of Uncertain Significance.

Mayo Clinic Laboratories, Mayo Clinic
Classification: Uncertain significance. Last evaluated: 2022-02-04. Review status: criteria provided, single submitter. Criteria: ACMG Guidelines, 2015. Collection method: clinical testing. Allele origin: germline. Observed: 1 variant allele.

Illumina Laboratory Services, Illumina
Classification: Uncertain significance for Autosomal recessive ataxia, Beauce type. Last evaluated: 2018-01-12. Review status: criteria provided, single submitter. Criteria: ICSL Variant Classification Criteria 13 December 2019. Collection method: clinical testing. Allele origin: germline.

Illumina Laboratory Services, Illumina
Classification: Likely benign for Emery-Dreifuss muscular dystrophy 4, autosomal dominant. Last evaluated: 2018-01-12. Review status: criteria provided, single submitter. Criteria: ICSL Variant Classification Criteria 13 December 2019. Collection method: clinical testing. Allele origin: germline.
Comment: This variant was observed in the ICSL laboratory as part of a predisposition screen in an ostensibly healthy population. It had not been previously curated by ICSL or reported in the Human Gene Mutation Database (HGMD: prior to June 1st, 2018), and was therefore a candidate for classification through an automated scoring system. Utilizing variant allele frequency, disease prevalence and penetrance estimates, and inheritance mode, an automated score was calculated to assess if this variant is too frequent to cause the disease. Based on the score and internal cut-off values, a variant classified as likely benign is not then subjected to further curation. The score for this variant resulted in a classification of likely benign for this disease.

NM_182961.4(SYNE1):c.13922T>A (p.Leu4641His)

Gene: SYNE1 (spectrin repeat containing nuclear envelope protein 1; minus strand). Cytogenetic location: 6q25.2.
Variant type: single nucleotide variant.
Coding change: c.13922T>A on transcript NM_182961.4 (MANE Select); coding-DNA position 13922, T replaced by A.
Protein change: p.Leu4641His; replaces leucine 4641 with histidine.
Molecular consequence: missense variant.
Genome position (GRCh38, 1-based): chr6:152,330,763, A>T on the plus strand (T>A on the coding strand, the complement: SYNE1 is on the minus strand). VCF-style: chr6-152330763-A-T. GRCh37 (hg19) VCF-style: chr6-152651898-A-T.
Other names: p.Leu4570His; c.13709T>A, p.Leu4570His (NM_033071.5); short protein forms L4570H, L4641H.
Identifiers: ClinVar variation 355872 (VCV000355872.10), dbSNP rs199673397, ClinGen allele CA4056099.
Genomic context (GRCh38, chr6:152,330,763, plus strand): 5'-TCTTTAGCCAAGGCAACAATTACATTAAATTGTCGAGGCAAAGCATTTAGCTTTTCACTG[A>T]GGTAGGAATGATCGACTTCATTCAGCGATGGTAATATGGTCTGCCCAGTTCTCTGCAGCG-3'
Protein context (NP_892006.3, residues 4631-4651): PSLNEVDHSY[Leu4641His]SEKLNALPRQ